The following is an entry in ClinVar:

NM_001099695.2(REPIN1):c.1254A>C (p.Pro418=)

Genes: REPIN1 (replication initiator 1; plus strand), REPIN1-AS1 (REPIN1 antisense RNA 1; minus strand). Cytogenetic location: 7q36.1.
Variant type: single nucleotide variant.
Coding change: c.1254A>C on transcript NM_001099695.2 (MANE Select); coding-DNA position 1254, A replaced by C.
Protein change: p.Pro418=; no amino-acid change (proline 418 retained).
Molecular consequence: synonymous variant.
Genome position (GRCh38, 1-based): chr7:150,372,324, A>C. VCF-style: chr7-150372324-A-C. GRCh37 (hg19) VCF-style: chr7-150069413-A-C.
Other names: c.1083A>C, p.Pro361= (NM_001099696.3, NM_001362746.2, NM_001362747.2 and 21 more transcripts); c.1254A>C, p.Pro418= (NM_001362745.2, NM_001388038.1, NM_001388039.1 and 1 more transcripts); c.1260A>C, p.Pro420= (NM_001388037.1); c.1251A>C, p.Pro417= (NM_001388041.1, NM_001388042.1, NM_001388043.1 and 2 more transcripts).
Identifiers: ClinVar variation 2658157 (VCV002658157.24), dbSNP rs2486550975, ClinGen allele CA458862682.
Genomic context (GRCh38, chr7:150,372,324, plus strand): 5'-CGAGCCCACCCCGGCGGTACCTCTGAAACCGGCCCAGGAGCCGCCGCCAGGGGCCCCGCC[A>C]GAGCACCCGCAGGACCCGATCGAAGCCCCCCCCTCCCTCTACAGCTGCGACGACTGCGGC-3'
Protein context (NP_001093165.1, residues 408-428): PAQEPPPGAP[Pro418=]EHPQDPIEAP

ClinVar aggregate classification (germline): Likely benign (1 of 4 stars; one submission).

Submission:

CeGaT Center for Human Genetics Tuebingen
Classification: Likely benign. Last evaluated: 2023-04-01. Review status: criteria provided, single submitter. Criteria: CeGaT Center For Human Genetics Tuebingen Variant Classification Criteria Version 2. Collection method: clinical testing. Allele origin: germline. Affected: yes. Observed: 1 variant allele.
Comment: REPIN1: PM2:Supporting, BP4, BP7